The following is an entry in ClinVar:

ClinVar aggregate classification (germline): Uncertain significance (1 of 4 stars; one submission).

gnomAD v4.1: 3 of 1,614,200 alleles (0.00019%); highest among the groups gnomAD compares: Non-Finnish European, 0.00025%; no homozygotes.

Submission:

Ambry Genetics
Classification: Uncertain significance. Last evaluated: 2024-04-05. Review status: criteria provided, single submitter. Criteria: Ambry Variant Classification Scheme 2023. Collection method: clinical testing. Allele origin: germline.
Comment: The p.S894R variant (also known as c.2680A>C), located in coding exon 1 of the MLH3 gene, results from an A to C substitution at nucleotide position 2680. The serine at codon 894 is replaced by arginine, an amino acid with dissimilar properties. This amino acid position is poorly conserved in available vertebrate species. In addition, this alteration is predicted to be tolerated by in silico analysis. The evidence for this gene-disease relationship is limited; therefore, the clinical significance of this alteration is unclear.

NM_001040108.2(MLH3):c.2680A>C (p.Ser894Arg)

Gene: MLH3 (mutL homolog 3; minus strand). Cytogenetic location: 14q24.3.
Variant type: single nucleotide variant.
Coding change: c.2680A>C on transcript NM_001040108.2 (MANE Select); coding-DNA position 2680, A replaced by C.
Protein change: p.Ser894Arg; replaces serine 894 with arginine.
Molecular consequence: missense variant.
Genome position (GRCh38, 1-based): chr14:75,046,976, T>G on the plus strand (A>C on the coding strand, the complement: MLH3 is on the minus strand). VCF-style: chr14-75046976-T-G. GRCh37 (hg19) VCF-style: chr14-75513679-T-G.
Other names: c.2680A>C, p.Ser894Arg (NM_014381.3); short protein forms S894R.
Identifiers: ClinVar variation 3295080 (VCV003295080.1).